The following is an entry in ClinVar:

NM_001378457.1(DMXL2):c.6261A>G (p.Ile2087Met)

Gene: DMXL2 (Dmx like 2; minus strand). Cytogenetic location: 15q21.2.
Variant type: single nucleotide variant.
Coding change: c.6261A>G on transcript NM_001378457.1 (MANE Select); coding-DNA position 6261, A replaced by G.
Protein change: p.Ile2087Met; replaces isoleucine 2087 with methionine.
Molecular consequence: missense variant. On other transcripts: non-coding transcript variant (2).
Genome position (GRCh38, 1-based): chr15:51,480,845, T>C on the plus strand (A>G on the coding strand, the complement: DMXL2 is on the minus strand). VCF-style: chr15-51480845-T-C. GRCh37 (hg19) VCF-style: chr15-51773042-T-C.
Other names: c.6261A>G, p.Ile2087Met (NM_001174116.3, NM_001378458.1, NM_001378459.1 and 4 more transcripts); c.4353A>G, p.Ile1451Met (NM_001174117.3); c.4242A>G, p.Ile1414Met (NM_001378460.1); c.6021A>G, p.Ile2007Met (NM_001378464.1); short protein forms I1414M, I2007M, I1451M, I2087M.
Identifiers: ClinVar variation 4982948 (VCV004982948.1).

ClinVar aggregate classification (germline): Uncertain significance (1 of 4 stars; one submission).

Conditions:
DMXL2-related disorder. Also called: DMXL2-related condition.

gnomAD v4.1: 1 of 1,613,106 alleles (0.000062%); highest among the groups gnomAD compares: Non-Finnish European, 0.000085%; no homozygotes.

Submission:

PreventionGenetics, part of Exact Sciences
Classification: Uncertain significance for DMXL2-related condition. Last evaluated: 2025-07-01. Review status: criteria provided, single submitter. Criteria: ACMG Guidelines, 2015. Collection method: clinical testing. Allele origin: germline.
Comment: The DMXL2 c.6261A>G variant is predicted to result in the amino acid substitution p.Ile2087Met. To our knowledge, this variant has not been reported in the literature or in a large population database (gnomAD), indicating this variant is rare. At this time, the clinical significance of this variant is uncertain due to the absence of conclusive functional and genetic evidence.